The following is an entry in ClinVar:

ClinVar aggregate classification (germline): Uncertain significance (1 of 4 stars; one submission).

Allele frequency attached by ClinVar (database versions not stated): TOPMed below 0.00001.
gnomAD v4.1: 11 of 1,614,170 alleles (0.00068%); highest among the groups gnomAD compares: East Asian, 0.0022%; no homozygotes.

Submission:

Ambry Genetics
Classification: Uncertain significance. Last evaluated: 2023-08-11. Review status: criteria provided, single submitter. Criteria: Ambry Variant Classification Scheme 2023. Collection method: clinical testing. Allele origin: germline.
Comment: The p.G300D variant (also known as c.899G>A), located in coding exon 6 of the IDH1 gene, results from a G to A substitution at nucleotide position 899. The glycine at codon 300 is replaced by aspartic acid, an amino acid with similar properties. This amino acid position is conserved. In addition, the in silico prediction for this alteration is inconclusive. Since supporting evidence is limited at this time, the clinical significance of this alteration remains unclear.

NM_005896.4(IDH1):c.899G>A (p.Gly300Asp)

Gene: IDH1 (isocitrate dehydrogenase (NADP(+)) 1; minus strand). Cytogenetic location: 2q34.
Variant type: single nucleotide variant.
Coding change: c.899G>A on transcript NM_005896.4 (MANE Select); coding-DNA position 899, G replaced by A.
Protein change: p.Gly300Asp; replaces glycine 300 with aspartic acid.
Molecular consequence: missense variant.
Genome position (GRCh38, 1-based): chr2:208,239,955, C>T on the plus strand (G>A on the coding strand, the complement: IDH1 is on the minus strand). VCF-style: chr2-208239955-C-T. GRCh37 (hg19) VCF-style: chr2-209104679-C-T.
Other names: c.899G>A, p.Gly300Asp (NM_001282386.1, NM_001282387.1); short protein forms G300D.
Identifiers: ClinVar variation 1765384 (VCV001765384.3), dbSNP rs762820641, ClinGen allele CA2078869.